The following is an entry in ClinVar:

ClinVar aggregate classification (germline): Pathogenic (1 of 4 stars; one submission).

Submission:

GeneDx
Classification: Pathogenic. Last evaluated: 2026-02-11. Review status: criteria provided, single submitter. Criteria: GeneDx Variant Classification Process June 2021. Collection method: clinical testing. Allele origin: germline.
Comment: Nonsense variant predicted to result in protein truncation or nonsense mediated decay in a gene for which loss of function is a known mechanism of disease; Not observed at significant frequency in large population cohorts (gnomAD); This variant is associated with the following publications: (PMID: 31326210, 32424177, 33258288)

NM_012330.4(KAT6B):c.3122C>A (p.Ser1041Ter)

Gene: KAT6B (lysine acetyltransferase 6B; plus strand). Cytogenetic location: 10q22.2.
Variant type: single nucleotide variant.
Coding change: c.3122C>A on transcript NM_012330.4 (MANE Select); coding-DNA position 3122, C replaced by A.
Protein change: p.Ser1041Ter; replaces serine 1041 with a stop codon.
Molecular consequence: nonsense.
Genome position (GRCh38, 1-based): chr10:75,021,981, C>A. VCF-style: chr10-75021981-C-A. GRCh37 (hg19) VCF-style: chr10-76781739-C-A.
Other names: c.2573C>A, p.Ser858Ter (NM_001256468.2, NM_001370138.1); c.2246C>A, p.Ser749Ter (NM_001256469.2, NM_001370139.1, NM_001370140.1 and 2 more transcripts); c.2084C>A, p.Ser695Ter (NM_001370132.1); c.1433C>A, p.Ser478Ter (NM_001370133.1); c.1037C>A, p.Ser346Ter (NM_001370134.1); c.779C>A, p.Ser260Ter (NM_001370135.1); c.3122C>A, p.Ser1041Ter (NM_001370136.1, NM_001370137.1); c.2057C>A, p.Ser686Ter (NM_001370143.1, NM_001370144.1); short protein forms S1041*, S260*, S346*, S478*, S686*, S695*, S749*, S858*.
Identifiers: ClinVar variation 4888186 (VCV004888186.1).
Genomic context (GRCh38, chr10:75,021,981, plus strand): 5'-AGGAACAAGAAATCCTGTCAACTAGAGCTAACAGTAGGCAATCACCTGCAAAAGTACAAT[C>A]GAAAAATAAATATTTGCATTCCCCGGAGAGCCGGCCAGTCACAGGGGAGCGAGGGCAGCT-3'